The following is an entry in ClinVar:

ClinVar aggregate classification (germline): Uncertain significance (1 of 4 stars; one submission).

Allele frequency attached by ClinVar (database versions not stated): gnomAD exomes 0.00003; ExAC 0.00004.
gnomAD v4.1: 10 of 1,612,596 alleles (0.00062%); highest among the groups gnomAD compares: Admixed American, 0.012%; no homozygotes.

Submission:

Labcorp Genetics (formerly Invitae), Labcorp
Classification: Uncertain significance. Last evaluated: 2025-09-02. Review status: criteria provided, single submitter. Criteria: Invitae Variant Classification Sherloc (09022015). Collection method: clinical testing. Allele origin: germline.
Comment: This sequence change replaces proline, which is neutral and non-polar, with threonine, which is neutral and polar, at codon 331 of the MYO18B protein (p.Pro331Thr). This variant is present in population databases (rs751990009, gnomAD 0.02%). This variant has not been reported in the literature in individuals affected with MYO18B-related conditions. ClinVar contains an entry for this variant (Variation ID: 1364731). An algorithm developed to predict the effect of missense changes on protein structure and function (PolyPhen-2) suggests that this variant is likely to be tolerated. In summary, the available evidence is currently insufficient to determine the role of this variant in disease. Therefore, it has been classified as a Variant of Uncertain Significance.

NM_032608.7(MYO18B):c.991C>A (p.Pro331Thr)

Gene: MYO18B (myosin XVIIIB; plus strand). Cytogenetic location: 22q12.1.
Variant type: single nucleotide variant.
Coding change: c.991C>A on transcript NM_032608.7 (MANE Select); coding-DNA position 991, C replaced by A.
Protein change: p.Pro331Thr; replaces proline 331 with threonine.
Molecular consequence: missense variant.
Genome position (GRCh38, 1-based): chr22:25,768,907, C>A. VCF-style: chr22-25768907-C-A. GRCh37 (hg19) VCF-style: chr22-26164874-C-A.
Other names: c.991C>A, p.Pro331Thr (NM_001318245.2); short protein forms P331T.
Identifiers: ClinVar variation 1364731 (VCV001364731.6), dbSNP rs751990009, ClinGen allele CA10159741.